The following is an entry in ClinVar:

NM_006946.4(SPTBN2):c.4486G>A (p.Asp1496Asn)

Gene: SPTBN2 (spectrin beta, non-erythrocytic 2; minus strand). Cytogenetic location: 11q13.2.
Variant type: single nucleotide variant.
Coding change: c.4486G>A on transcript NM_006946.4 (MANE Select); coding-DNA position 4486, G replaced by A.
Protein change: p.Asp1496Asn; replaces aspartic acid 1496 with asparagine.
Molecular consequence: missense variant.
Genome position (GRCh38, 1-based): chr11:66,694,156, C>T on the plus strand (G>A on the coding strand, the complement: SPTBN2 is on the minus strand). VCF-style: chr11-66694156-C-T. GRCh37 (hg19) VCF-style: chr11-66461627-C-T.
Other names: c.4507G>A, p.Asp1503Asn (NM_001411025.1); c.4486G>A (NM_006946.2); short protein forms D1503N, D1496N.
Identifiers: ClinVar variation 2756023 (VCV002756023.4), dbSNP rs749661458, ClinGen allele CA6128568.

ClinVar aggregate classification (germline): Conflicting classifications of pathogenicity. Review status: criteria provided, conflicting classifications (1 of 4 stars). 2 submissions from 2 submitters: Uncertain significance (1); Likely benign (1). Last evaluated 2025-04-28.

Allele frequency attached by ClinVar (database versions not stated): gnomAD 0.00003; ExAC 0.00005; TOPMed 0.00005.
gnomAD v4.1: 46 of 1,608,402 alleles (0.0029%); highest among the groups gnomAD compares: East Asian, 0.071%; no homozygotes.

Submissions (2):

GeneDx
Classification: Uncertain significance. Last evaluated: 2025-04-28. Review status: criteria provided, single submitter. Criteria: GeneDx Variant Classification Process June 2021. Collection method: clinical testing. Allele origin: germline. Affected: yes.
Comment: In silico analysis supports that this missense variant has a deleterious effect on protein structure/function; Has not been previously published as pathogenic or benign to our knowledge

Labcorp Genetics (formerly Invitae), Labcorp
Classification: Likely benign. Last evaluated: 2024-04-05. Review status: criteria provided, single submitter. Criteria: Invitae Variant Classification Sherloc (09022015). Collection method: clinical testing. Allele origin: germline.